The following is an entry in ClinVar:

ClinVar aggregate classification (germline): Uncertain significance (1 of 4 stars; one submission).

Conditions:
Inborn genetic diseases. Identifiers: MedGen C0950123, MeSH D030342.

Submission:

Ambry Genetics
Classification: Uncertain significance for Inborn genetic diseases. Last evaluated: 2025-02-10. Review status: criteria provided, single submitter. Criteria: Ambry Variant Classification Scheme 2023. Collection method: clinical testing. Allele origin: germline.
Comment: The p.T327P variant (also known as c.979A>C), located in coding exon 8 of the BUB1B gene, results from an A to C substitution at nucleotide position 979. The threonine at codon 327 is replaced by proline, an amino acid with highly similar properties. This amino acid position is conserved. In addition, this alteration is predicted to be tolerated by in silico analysis. Based on the available evidence, the clinical significance of this variant remains unclear.

NM_001211.6(BUB1B):c.979A>C (p.Thr327Pro)

Gene: BUB1B (BUB1 mitotic checkpoint serine/threonine kinase B; plus strand). Cytogenetic location: 15q15.1.
Variant type: single nucleotide variant.
Coding change: c.979A>C on transcript NM_001211.6 (MANE Select); coding-DNA position 979, A replaced by C.
Protein change: p.Thr327Pro; replaces threonine 327 with proline.
Molecular consequence: missense variant.
Genome position (GRCh38, 1-based): chr15:40,185,563, A>C. VCF-style: chr15-40185563-A-C. GRCh37 (hg19) VCF-style: chr15-40477764-A-C.
Other names: short protein forms T327P.
Identifiers: ClinVar variation 3826119 (VCV003826119.1).